The following is an entry in ClinVar:

NM_033380.3(COL4A5):c.834+5G>A

Gene: COL4A5 (collagen type IV alpha 5 chain; plus strand). Cytogenetic location: Xq22.3.
Variant type: single nucleotide variant.
Coding change: c.834+5G>A on transcript NM_033380.3 (MANE Select); 5 bases into the intron after coding-DNA position 834, G replaced by A.
Molecular consequence: intron variant.
Genome position (GRCh38, 1-based): chrX:108,580,591, G>A. VCF-style: chrX-108580591-G-A. GRCh37 (hg19) VCF-style: chrX-107823821-G-A.
Other names: c.834+5G>A (NM_000495.5).
Identifiers: ClinVar variation 4281246 (VCV004281246.7), dbSNP rs104886442.

ClinVar aggregate classification (germline): Likely pathogenic (1 of 4 stars; one submission).

Submission:

CeGaT Center for Human Genetics Tuebingen
Classification: Likely pathogenic. Last evaluated: 2026-06-01. Review status: criteria provided, single submitter. Criteria: CeGaT Center For Human Genetics Tuebingen Variant Classification Criteria Version 2. Collection method: clinical testing. Allele origin: germline. Affected: yes. Observed: 2 variant alleles.
Comment: COL4A5: PM2, PS4:Moderate, PP1, PS1:Supporting